The following is an entry in ClinVar:

ClinVar aggregate classification (germline): Conflicting classifications of pathogenicity. Review status: criteria provided, conflicting classifications (1 of 4 stars). 6 submissions from 4 submitters: Uncertain significance (4); Likely benign (1). 1 of the submissions does not count toward it. Last evaluated 2024-07-31.

Conditions:
Nephronophthisis. Also called: Juvenile Nephronophthisis. Identifiers: Orphanet 655, MedGen C0687120, MONDO:0019005, HP:0000090.
Nephronophthisis 1 (NPHP1). Also called: Nephronophthisis familial juvenile. Identifiers: Orphanet 655, Orphanet 93592, MedGen C1855681, MONDO:0009728, OMIM 256100.
Senior-Loken syndrome 1 (SLSN1). Also called: JUVENILE NEPHRONOPHTHISIS WITH LEBER AMAUROSIS. Identifiers: Orphanet 3156, MedGen C4551559, MONDO:0009962, OMIM 266900.
Joubert syndrome with renal defect. Also called: JOUBERT SYNDROME 4. Identifiers: Orphanet 220497, MedGen C1846790, MONDO:0012308, OMIM 609583.
NPHP1-related disorder. Also called: NPHP1-related condition; NPHP1-related disorders.

Allele frequency attached by ClinVar (database versions not stated): TOPMed 0.00003; ExAC 0.00004; gnomAD exomes 0.00004 and 0.00007; gnomAD 0.00005 and 0.00006; ESP Exome Variant Server 0.00008.
gnomAD v4.1: 104 of 1,611,796 alleles (0.0065%); highest among the groups gnomAD compares: Middle Eastern, 0.016%; no homozygotes.

Submissions (6):

Blueprint Genetics
Classification: Likely benign. Last evaluated: 2024-07-31. Review status: criteria provided, single submitter. Criteria: ACMG Guidelines, 2015. Collection method: clinical testing. Allele origin: germline.

Labcorp Genetics (formerly Invitae), Labcorp
Classification: Uncertain significance for Nephronophthisis. Last evaluated: 2022-09-27. Review status: criteria provided, single submitter. Criteria: Invitae Variant Classification Sherloc (09022015). Collection method: clinical testing. Allele origin: germline.
Comment: This sequence change falls in intron 19 of the NPHP1 gene. It does not directly change the encoded amino acid sequence of the NPHP1 protein. It affects a nucleotide within the consensus splice site. This variant is present in population databases (rs201030203, gnomAD 0.01%). This variant has not been reported in the literature in individuals affected with NPHP1-related conditions. ClinVar contains an entry for this variant (Variation ID: 566103). Variants that disrupt the consensus splice site are a relatively common cause of aberrant splicing (PMID: 17576681, 9536098). Algorithms developed to predict the effect of sequence changes on RNA splicing suggest that this variant is not likely to affect RNA splicing. In summary, the available evidence is currently insufficient to determine the role of this variant in disease. Therefore, it has been classified as a Variant of Uncertain Significance.

Illumina Laboratory Services, Illumina
Classification: Uncertain significance for Joubert syndrome with renal defect. Last evaluated: 2018-01-13. Review status: criteria provided, single submitter. Criteria: ICSL Variant Classification Criteria 13 December 2019. Collection method: clinical testing. Allele origin: germline.

Illumina Laboratory Services, Illumina
Classification: Uncertain significance for Senior-Loken syndrome 1. Last evaluated: 2018-01-13. Review status: criteria provided, single submitter. Criteria: ICSL Variant Classification Criteria 13 December 2019. Collection method: clinical testing. Allele origin: germline.

Illumina Laboratory Services, Illumina
Classification: Uncertain significance for Nephronophthisis 1. Last evaluated: 2018-01-13. Review status: criteria provided, single submitter. Criteria: ICSL Variant Classification Criteria 13 December 2019. Collection method: clinical testing. Allele origin: germline.

PreventionGenetics, part of Exact Sciences
Classification: Likely benign for NPHP1-related condition. Last evaluated: 2020-01-21. Review status: no assertion criteria provided. Collection method: clinical testing. Allele origin: germline. Not counted in ClinVar's aggregate classification.
Comment: This variant is classified as likely benign based on ACMG/AMP sequence variant interpretation guidelines (Richards et al. 2015 PMID: 25741868, with internal and published modifications).

Literature cited by the submitters: PubMed 17576681 (cited by Labcorp Genetics (formerly Invitae), Labcorp); PubMed 9536098 (cited by Labcorp Genetics (formerly Invitae), Labcorp).

NM_001128178.3(NPHP1):c.1761+5A>C

Gene: NPHP1 (nephrocystin 1; minus strand). Cytogenetic location: 2q13.
Variant type: single nucleotide variant.
Coding change: c.1761+5A>C on transcript NM_001128178.3 (MANE Select); 5 bases into the intron after coding-DNA position 1761, A replaced by C.
Molecular consequence: intron variant.
Genome position (GRCh38, 1-based): chr2:110,125,632, T>G on the plus strand (A>C on the coding strand, the complement: NPHP1 is on the minus strand). VCF-style: chr2-110125632-T-G. GRCh37 (hg19) VCF-style: chr2-110883209-T-G.
Other names: c.1572+5A>C (NM_001128179.3); c.1758+5A>C (NM_001374256.1); c.1761+5A>C (NM_001374257.1); c.1926+5A>C (NM_207181.4); c.1929+5A>C (NM_000272.5).
Identifiers: ClinVar variation 566103 (VCV000566103.14), dbSNP rs201030203, ClinGen allele CA1826902.